The following is an entry in ClinVar:

ClinVar aggregate classification (germline): Likely benign (1 of 4 stars; one submission).

Allele frequency attached by ClinVar (database versions not stated): gnomAD exomes 0.00001; ExAC 0.00002.
gnomAD v4.1: 8 of 1,611,600 alleles (0.0005%); highest among the groups gnomAD compares: East Asian, 0.0045%; no homozygotes.

Submission:

CeGaT Center for Human Genetics Tuebingen
Classification: Likely benign. Last evaluated: 2022-12-01. Review status: criteria provided, single submitter. Criteria: CeGaT Center For Human Genetics Tuebingen Variant Classification Criteria Version 2. Collection method: clinical testing. Allele origin: germline. Affected: yes. Observed: 1 variant allele.
Comment: PKD1: BP4

NM_001009944.3(PKD1):c.3691G>A (p.Val1231Ile)

Gene: PKD1 (polycystin 1, transient receptor potential channel interacting; minus strand). Cytogenetic location: 16p13.3.
Variant type: single nucleotide variant.
Coding change: c.3691G>A on transcript NM_001009944.3 (MANE Select); coding-DNA position 3691, G replaced by A.
Protein change: p.Val1231Ile; replaces valine 1231 with isoleucine.
Molecular consequence: missense variant.
Genome position (GRCh38, 1-based): chr16:2,111,476, C>T on the plus strand (G>A on the coding strand, the complement: PKD1 is on the minus strand). VCF-style: chr16-2111476-C-T. GRCh37 (hg19) VCF-style: chr16-2161477-C-T.
Other names: c.3691G>A, p.Val1231Ile (NM_000296.4); short protein forms V1231I.
Identifiers: ClinVar variation 2646021 (VCV002646021.24), dbSNP rs751642475, ClinGen allele CA7832671.
Genomic context (GRCh38, chr16:2,111,476, plus strand): 5'-TGCCGTCCCCCATGTCGAAGGTCCACGTGATGTTGTCGCCCGTCTGCACCGCGGCGCTGA[C>T]CACCACGGGGGCGCCCTGCTCCACGGCCAGGCTCATGTCCACGCTGAGTCCGCGGAGCTC-3'
Protein context (NP_001009944.3, residues 1221-1241): LAVEQGAPVV[Val1231Ile]SAAVQTGDNI